The following is an entry in ClinVar:

NM_006766.5(KAT6A):c.3347C>G (p.Ala1116Gly)

Gene: KAT6A (lysine acetyltransferase 6A; minus strand). Cytogenetic location: 8p11.21.
Variant type: single nucleotide variant.
Coding change: c.3347C>G on transcript NM_006766.5 (MANE Select); coding-DNA position 3347, C replaced by G.
Protein change: p.Ala1116Gly; replaces alanine 1116 with glycine.
Molecular consequence: missense variant.
Genome position (GRCh38, 1-based): chr8:41,937,261, G>C on the plus strand (C>G on the coding strand, the complement: KAT6A is on the minus strand). VCF-style: chr8-41937261-G-C. GRCh37 (hg19) VCF-style: chr8-41794779-G-C.
Other names: short protein forms A1116G.
Identifiers: ClinVar variation 2837478 (VCV002837478.3), dbSNP rs1166906954, ClinGen allele CA371069775.

ClinVar aggregate classification (germline): Uncertain significance (1 of 4 stars; one submission).

Allele frequency attached by ClinVar (database versions not stated): gnomAD 0.00001; TOPMed 0.00001.
gnomAD v4.1: 3 of 1,611,406 alleles (0.00019%); highest among the groups gnomAD compares: Non-Finnish European, 0.00025%; no homozygotes.

Submission:

Labcorp Genetics (formerly Invitae), Labcorp
Classification: Uncertain significance. Last evaluated: 2023-06-06. Review status: criteria provided, single submitter. Criteria: Invitae Variant Classification Sherloc (09022015). Collection method: clinical testing. Allele origin: germline.
Comment: This variant is not present in population databases (gnomAD no frequency). This variant has not been reported in the literature in individuals affected with KAT6A-related conditions. This sequence change replaces alanine, which is neutral and non-polar, with glycine, which is neutral and non-polar, at codon 1116 of the KAT6A protein (p.Ala1116Gly). Advanced modeling of protein sequence and biophysical properties (such as structural, functional, and spatial information, amino acid conservation, physicochemical variation, residue mobility, and thermodynamic stability) performed at Invitae indicates that this missense variant is not expected to disrupt KAT6A protein function. In summary, the available evidence is currently insufficient to determine the role of this variant in disease. Therefore, it has been classified as a Variant of Uncertain Significance.